The following is an entry in ClinVar:

ClinVar aggregate classification (germline): Conflicting classifications of pathogenicity. Review status: criteria provided, conflicting classifications (1 of 4 stars). 3 submissions from 3 submitters: Likely pathogenic (1); Uncertain significance (2). Last evaluated 2022-10-20.

Conditions:
Mucopolysaccharidosis, MPS-IV-A (MPS4A). Also called: Mucopolysaccharidosis type IV A; Mucopolysaccharidosis Type IVA; Morquio syndrome A, mild; MORQUIO SYNDROME A; MPS IVA; mucopolysaccharidosis type 4A. Identifiers: Orphanet 309297, Orphanet 582, MedGen C0086651, MONDO:0009659, OMIM 253000.

Allele frequency attached by ClinVar (database versions not stated): gnomAD exomes below 0.00001; TOPMed below 0.00001; ExAC 0.00001; gnomAD 0.00001; 1000 Genomes Project 30x 0.00031; 1000 Genomes Project 0.00040.
gnomAD v4.1: 2 of 1,613,890 alleles (0.00012%); highest among the groups gnomAD compares: African/African-American, 0.0027%; no homozygotes.

Submissions (3):

GeneDx
Classification: Likely pathogenic. Last evaluated: 2022-10-20. Review status: criteria provided, single submitter. Criteria: GeneDx Variant Classification Process June 2021. Collection method: clinical testing. Allele origin: germline. Affected: yes.
Comment: In silico analysis supports that this missense variant has a deleterious effect on protein structure/function; Not observed at significant frequency in large population cohorts (gnomAD); This variant is associated with the following publications: (PMID: 22976768)

Genome-Nilou Lab
Classification: Uncertain significance for Mucopolysaccharidosis, MPS-IV-A. Last evaluated: 2021-11-07. Review status: criteria provided, single submitter. Criteria: ACMG Guidelines, 2015. Collection method: clinical testing. Allele origin: germline. Affected: no.

Laboratory of Diagnosis and Therapy of Lysosomal Disorders, University of Padova
Classification: Uncertain significance for Mucopolysaccharidosis, MPS-IV-A. Last evaluated: 2021-02-01. Review status: criteria provided, single submitter. Criteria: ACMG Guidelines, 2015. Collection method: curation. Allele origin: germline. Affected: yes.
Comment: The prevalence of the variant in affected individuals is significantly increased compared with the prevalence in controls (PS4_supporting); very low frequency in gnomAD v2.1.1 (PM2_moderate); multiple lines of computational evidence support a deleterious effect on the gene (PP3_supporting)

Literature cited by the submitters: PubMed 22976768 (cited by Laboratory of Diagnosis and Therapy of Lysosomal Disorders, University of Padova); PubMed 34387910 (cited by Laboratory of Diagnosis and Therapy of Lysosomal Disorders, University of Padova).

NM_000512.5(GALNS):c.949G>A (p.Gly317Arg)

Gene: GALNS (galactosamine (N-acetyl)-6-sulfatase; minus strand). Cytogenetic location: 16q24.3.
Variant type: single nucleotide variant.
Coding change: c.949G>A on transcript NM_000512.5 (MANE Select); coding-DNA position 949, G replaced by A.
Protein change: p.Gly317Arg; replaces glycine 317 with arginine.
Molecular consequence: missense variant.
Genome position (GRCh38, 1-based): chr16:88,832,051, C>T on the plus strand (G>A on the coding strand, the complement: GALNS is on the minus strand). VCF-style: chr16-88832051-C-T. GRCh37 (hg19) VCF-style: chr16-88898459-C-T.
Other names: c.394G>A, p.Gly132Arg (NM_001323543.2); c.967G>A, p.Gly323Arg (NM_001323544.2); short protein forms G132R, G317R, G323R.
Identifiers: ClinVar variation 1048309 (VCV001048309.9), dbSNP rs556060696, ClinGen allele CA8234895.